The following is an entry in ClinVar:

NM_006904.7(PRKDC):c.32C>T (p.Ser11Phe)

Genes: PRKDC (protein kinase, DNA-activated, catalytic subunit; minus strand), LOC129929030 (ATAC-STARR-seq lymphoblastoid silent region 19177; plus strand). Cytogenetic location: 8q11.21.
Variant type: single nucleotide variant.
Coding change: c.32C>T on transcript NM_006904.7 (MANE Select); coding-DNA position 32, C replaced by T.
Protein change: p.Ser11Phe; replaces serine 11 with phenylalanine.
Molecular consequence: missense variant.
Genome position (GRCh38, 1-based): chr8:47,960,095, G>A on the plus strand (C>T on the coding strand, the complement: PRKDC is on the minus strand). VCF-style: chr8-47960095-G-A. GRCh37 (hg19) VCF-style: chr8-48872655-G-A.
Other names: c.32C>T, p.Ser11Phe (NM_001081640.2); short protein forms S11F.
Identifiers: ClinVar variation 3425350 (VCV003425350.1).

ClinVar aggregate classification (germline): Uncertain significance (1 of 4 stars; one submission).

gnomAD v4.1: 1 of 1,525,368 alleles (0.000066%); highest among the groups gnomAD compares: Non-Finnish European, 0.000088%; no homozygotes.

Submission:

Ambry Genetics
Classification: Uncertain significance. Last evaluated: 2024-10-08. Review status: criteria provided, single submitter. Criteria: Ambry Variant Classification Scheme 2023. Collection method: clinical testing. Allele origin: germline.
Comment: The p.S11F variant (also known as c.32C>T), located in coding exon 1 of the PRKDC gene, results from a C to T substitution at nucleotide position 32. The serine at codon 11 is replaced by phenylalanine, an amino acid with highly dissimilar properties. This amino acid position is conserved. In addition, this alteration is predicted to be tolerated by in silico analysis. Based on the available evidence, the clinical significance of this variant remains unclear.